The following is an entry in ClinVar:

NM_005732.4(RAD50):c.3890C>T (p.Ser1297Leu)

Genes: TH2LCRR (T helper type 2 locus control region associated RNA; minus strand), RAD50 (RAD50 double strand break repair protein; plus strand). Cytogenetic location: 5q31.1.
Variant type: single nucleotide variant.
Coding change: c.3890C>T on transcript NM_005732.4 (MANE Select); coding-DNA position 3890, C replaced by T.
Protein change: p.Ser1297Leu; replaces serine 1297 with leucine.
Molecular consequence: missense variant.
Genome position (GRCh38, 1-based): chr5:132,642,315, C>T. VCF-style: chr5-132642315-C-T. GRCh37 (hg19) VCF-style: chr5-131978007-C-T.
Other names: short protein forms S1297L.
Identifiers: ClinVar variation 2579662 (VCV002579662.2), dbSNP rs2149867051, ClinGen allele CA360937267.
Genomic context (GRCh38, chr5:132,642,315, plus strand): 5'-TAGGACGTTCTGAATATGTGGAGAAATTCTACAGGATTAAAAAGAACATCGATCAGTGCT[C>T]AGAGATTGTGAAATGCAGTGTTAGCTCCCTGGGATTCAATGTTCATTAAAAATATCCAAG-3'
Protein context (NP_005723.2, residues 1287-1307): YRIKKNIDQC[Ser1297Leu]EIVKCSVSSL

ClinVar aggregate classification (germline): Uncertain significance (1 of 4 stars; one submission).

Conditions:
Familial cancer of breast. Also called: Hereditary breast cancer; BREAST CANCER, FAMILIAL; hereditary breast carcinoma. Identifiers: Orphanet 227535, MedGen C0346153, MONDO:0016419, OMIM 114480. Disease mechanism: loss of function.

Submission:

KCCC/NGS Laboratory, Kuwait Cancer Control Center
Classification: Uncertain significance for Familial cancer of breast. Last evaluated: 2023-09-13. Review status: criteria provided, single submitter. Criteria: ACMG Guidelines, 2015. Collection method: clinical testing. Allele origin: germline. Inheritance: Autosomal dominant inheritance. Affected: yes. Observed: 1 heterozygote.
Comment: This sequence change replaces arginine with glutamine at codon 1297 of the RAD50 protein (p.Ser1297Leu). This amino acid position is highly conserved (PhyloP=7.34) . This variant is not present in population databases (gnomAD). This variant has not been reported in the literature in individuals affected with RAD50-related conditions. This variant not reported in ClinVar . In-silico predictions show pathogenic computational verdict based on 10 pathogenic predictions from DANN , EIGEN , Mutation assessor , FATHMM , LIST-S2, LRT , MutPred , SIFT4G, EIGEN PC, FATHMMMKL and PolyPhen-2 vs 3 benign predictions from M-CAP, MetaLR and MetaSVM . In summary, the available evidence is currently insufficient to determine the role of this variant in disease. Therefore, it has been classified as a Variant of Uncertain Significance